The following is an entry in ClinVar:

NM_001909.5(CTSD):c.1175G>A (p.Arg392His)

Gene: CTSD (cathepsin D; minus strand). Cytogenetic location: 11p15.5.
Variant type: single nucleotide variant.
Coding change: c.1175G>A on transcript NM_001909.5 (MANE Select); coding-DNA position 1175, G replaced by A.
Protein change: p.Arg392His; replaces arginine 392 with histidine.
Molecular consequence: missense variant.
Genome position (GRCh38, 1-based): chr11:1,753,567, C>T on the plus strand (G>A on the coding strand, the complement: CTSD is on the minus strand). VCF-style: chr11-1753567-C-T. GRCh37 (hg19) VCF-style: chr11-1774797-C-T.
Other names: short protein forms R392H.
Identifiers: ClinVar variation 2194329 (VCV002194329.2), dbSNP rs374531851, ClinGen allele CA314332.

ClinVar aggregate classification (germline): Uncertain significance. Review status: criteria provided, multiple submitters, no conflicts (2 of 4 stars). 2 submissions from 2 submitters: Uncertain significance (2). Last evaluated 2022-03-09.

Conditions:
Inborn genetic diseases. Identifiers: MedGen C0950123, MeSH D030342.
Neuronal ceroid lipofuscinosis. Also called: Neuronal Ceroid Lipofuscinoses. Identifiers: Orphanet 216, Orphanet 79263, MedGen C0027877, MONDO:0016295. Disease mechanism: loss of function.

Allele frequency attached by ClinVar (database versions not stated): ExAC 0.00003; ESP Exome Variant Server 0.00008.
gnomAD v4.1: 83 of 1,612,936 alleles (0.0051%); highest among the groups gnomAD compares: Admixed American, 0.022%; 1 homozygote.

Submissions (2):

Labcorp Genetics (formerly Invitae), Labcorp
Classification: Uncertain significance for Neuronal ceroid lipofuscinosis. Last evaluated: 2022-03-09. Review status: criteria provided, single submitter. Criteria: Invitae Variant Classification Sherloc (09022015). Collection method: clinical testing. Allele origin: germline.
Comment: This sequence change replaces arginine, which is basic and polar, with histidine, which is basic and polar, at codon 392 of the CTSD protein (p.Arg392His). This variant is present in population databases (rs374531851, gnomAD 0.009%). This variant has not been reported in the literature in individuals affected with CTSD-related conditions. Algorithms developed to predict the effect of missense changes on protein structure and function are either unavailable or do not agree on the potential impact of this missense change (SIFT: "Tolerated"; PolyPhen-2: "Possibly Damaging"; Align-GVGD: "Class C0"). In summary, the available evidence is currently insufficient to determine the role of this variant in disease. Therefore, it has been classified as a Variant of Uncertain Significance.

Ambry Genetics
Classification: Uncertain significance for Inborn genetic diseases. Last evaluated: 2021-10-05. Review status: criteria provided, single submitter. Criteria: Ambry Variant Classification Scheme 2023. Collection method: clinical testing. Allele origin: germline.